The following is an entry in ClinVar:

ClinVar aggregate classification (germline): Conflicting classifications of pathogenicity. Review status: criteria provided, conflicting classifications (1 of 4 stars). 2 submissions from 2 submitters: Uncertain significance (1); Likely benign (1). Last evaluated 2026-01-12.

Conditions:
Developmental and epileptic encephalopathy, 12 (DEE12). Identifiers: MedGen C3150988, MONDO:0013389, OMIM 613722.

Allele frequency attached by ClinVar (database versions not stated): gnomAD exomes 0.00001.

Submissions (2):

Labcorp Genetics (formerly Invitae), Labcorp
Classification: Uncertain significance for Developmental and epileptic encephalopathy, 12. Last evaluated: 2026-01-12. Review status: criteria provided, single submitter. Criteria: Invitae Variant Classification Sherloc (09022015). Collection method: clinical testing. Allele origin: germline.
Comment: This sequence change falls in intron 3 of the PNKP gene. It does not directly change the encoded amino acid sequence of the PNKP protein. This variant is present in population databases (no rsID available, gnomAD 0.007%). This variant has not been reported in the literature in individuals affected with PNKP-related conditions. ClinVar contains an entry for this variant (Variation ID: 937839). Algorithms developed to predict the effect of sequence changes on RNA splicing suggest that this variant may disrupt the consensus splice site. In summary, the available evidence is currently insufficient to determine the role of this variant in disease. Therefore, it has been classified as a Variant of Uncertain Significance.

GeneDx
Classification: Likely benign. Last evaluated: 2018-08-21. Review status: criteria provided, single submitter. Criteria: GeneDx Variant Classification Process June 2021. Collection method: clinical testing. Allele origin: germline. Affected: yes.

NM_007254.4(PNKP):c.199-7T>A

Gene: PNKP (polynucleotide kinase 3'-phosphatase; minus strand). Cytogenetic location: 19q13.33.
Variant type: single nucleotide variant.
Coding change: c.199-7T>A on transcript NM_007254.4 (MANE Select); 7 bases into the intron before coding-DNA position 199, T replaced by A.
Molecular consequence: intron variant.
Genome position (GRCh38, 1-based): chr19:49,865,433, A>T on the plus strand (T>A on the coding strand, the complement: PNKP is on the minus strand). VCF-style: chr19-49865433-A-T. GRCh37 (hg19) VCF-style: chr19-50368690-A-T.
Identifiers: ClinVar variation 937839 (VCV000937839.7), dbSNP rs904994238, ClinGen allele CA309498784.